The following is an entry in ClinVar:

ClinVar aggregate classification (germline): Uncertain significance (1 of 4 stars; one submission).

Conditions:
Spastic ataxia 2. Also called: Ataxia, spastic, 2, autosomal recessive. Identifiers: Orphanet 397946, MedGen C1969796, MONDO:0012651, OMIM 611302.

Allele frequency attached by ClinVar (database versions not stated): gnomAD 0.00001; gnomAD exomes 0.00001; TOPMed 0.00001; ExAC 0.00003.
gnomAD v4.1: 16 of 1,577,614 alleles (0.001%); highest among the groups gnomAD compares: East Asian, 0.0068%; no homozygotes.

Submission:

Labcorp Genetics (formerly Invitae), Labcorp
Classification: Uncertain significance for Spastic ataxia 2. Last evaluated: 2022-09-27. Review status: criteria provided, single submitter. Criteria: Invitae Variant Classification Sherloc (09022015). Collection method: clinical testing. Allele origin: germline.
Comment: The frequency data for this variant in the population databases is considered unreliable, as metrics indicate poor data quality at this position in the gnomAD database. In summary, the available evidence is currently insufficient to determine the role of this variant in disease. Therefore, it has been classified as a Variant of Uncertain Significance. Algorithms developed to predict the effect of missense changes on protein structure and function are either unavailable or do not agree on the potential impact of this missense change (SIFT: "Deleterious"; PolyPhen-2: "Benign"; Align-GVGD: "Class C0"). This variant has not been reported in the literature in individuals affected with KIF1C-related conditions. This sequence change replaces arginine, which is basic and polar, with glutamine, which is neutral and polar, at codon 1039 of the KIF1C protein (p.Arg1039Gln).

NM_006612.6(KIF1C):c.3116G>A (p.Arg1039Gln)

Gene: KIF1C (kinesin family member 1C; plus strand). Cytogenetic location: 17p13.2.
Variant type: single nucleotide variant.
Coding change: c.3116G>A on transcript NM_006612.6 (MANE Select); coding-DNA position 3116, G replaced by A.
Protein change: p.Arg1039Gln; replaces arginine 1039 with glutamine.
Molecular consequence: missense variant.
Genome position (GRCh38, 1-based): chr17:5,023,955, G>A. VCF-style: chr17-5023955-G-A. GRCh37 (hg19) VCF-style: chr17-4927250-G-A.
Other names: short protein forms R1039Q.
Identifiers: ClinVar variation 2086338 (VCV002086338.4), dbSNP rs775842918, ClinGen allele CA8319485.